The following is an entry in ClinVar:

ClinVar aggregate classification (germline): Likely pathogenic (1 of 4 stars; one submission).

Conditions:
Amyotrophic lateral sclerosis type 1 (ALS1). Also called: AMYOTROPHIC LATERAL SCLEROSIS 1, FAMILIAL. Identifiers: Orphanet 803, MedGen C1862939, MONDO:0007103, OMIM 105400.

Submission:

Kariminejad - Najmabadi Pathology & Genetics Center
Classification: Likely pathogenic for Amyotrophic lateral sclerosis type 1. Last evaluated: 2024-09-03. Review status: criteria provided, single submitter. Criteria: ACMG Guidelines, 2015. Collection method: clinical testing. Allele origin: germline. Inheritance: Autosomal dominant inheritance. Affected: yes.
Comment: PM2,PM5,PP3(Moderate) || PP2 & PM1 has not consider becuase of PM5

NM_000454.5(SOD1):c.346C>A (p.Arg116Ser)

Gene: SOD1 (superoxide dismutase 1; plus strand). Cytogenetic location: 21q22.11.
Variant type: single nucleotide variant.
Coding change: c.346C>A on transcript NM_000454.5 (MANE Select); coding-DNA position 346, C replaced by A.
Protein change: p.Arg116Ser; replaces arginine 116 with serine.
Molecular consequence: missense variant.
Genome position (GRCh38, 1-based): chr21:31,667,364, C>A. VCF-style: chr21-31667364-C-A. GRCh37 (hg19) VCF-style: chr21-33039677-C-A.
Other names: short protein forms R116S.
Identifiers: ClinVar variation 3897014 (VCV003897014.1).